The following is an entry in ClinVar:

NM_007255.3(B4GALT7):c.678_679del (p.Glu227fs)

Gene: B4GALT7 (beta-1,4-galactosyltransferase 7; plus strand). Cytogenetic location: 5q35.3.
Variant type: Microsatellite.
Coding change: c.678_679del on transcript NM_007255.3 (MANE Select); coding-DNA positions 678 to 679, 2 bases deleted (CG; older notation c.678_679delCG).
Protein change: p.Glu227fs; shifts the reading frame from glutamic acid 227.
Molecular consequence: frameshift variant.
Genome position (GRCh38, 1-based): chr5:177,608,577-177,608,578, CG deleted; deleting any 2 consecutive bases within chr5:177,608,575-177,608,578 gives the same sequence; the c. name uses the placement nearest the transcript's 3' end. VCF-style (leftmost placement, unchanged base first): chr5-177608574-CCG-C. GRCh37 (hg19) VCF-style: chr5-177035575-CCG-C.
Other names: short protein forms E227fs.
Identifiers: ClinVar variation 4808196 (VCV004808196.1).

ClinVar aggregate classification (germline): Pathogenic (1 of 4 stars; one submission).

Conditions:
Spondylodysplastic Ehlers-Danlos syndrome. Identifiers: Orphanet 536471, Orphanet 75496, MedGen C5680154, MONDO:0007526.

Submission:

Labcorp Genetics (formerly Invitae), Labcorp
Classification: Pathogenic for Spondylodysplastic Ehlers-Danlos syndrome. Last evaluated: 2025-09-04. Review status: criteria provided, single submitter. Criteria: Invitae Variant Classification Sherloc (09022015). Collection method: clinical testing. Allele origin: germline.
Comment: This sequence change creates a premature translational stop signal (p.Glu227Glyfs*9) in the B4GALT7 gene. It is expected to result in an absent or disrupted protein product. Loss-of-function variants in B4GALT7 are known to be pathogenic (PMID: 26940150, 31614862, 38431799). This variant is not present in population databases (gnomAD no frequency). This variant has not been reported in the literature in individuals affected with B4GALT7-related conditions. For these reasons, this variant has been classified as Pathogenic.

Literature cited by the submitters: PubMed 26940150; PubMed 31614862; PubMed 38431799.